The following is an entry in ClinVar:

NM_000321.3(RB1):c.1284G>T (p.Glu428Asp)

Gene: RB1 (RB transcriptional corepressor 1; plus strand). Cytogenetic location: 13q14.2.
Variant type: single nucleotide variant.
Coding change: c.1284G>T on transcript NM_000321.3 (MANE Select); coding-DNA position 1284, G replaced by T.
Protein change: p.Glu428Asp; replaces glutamic acid 428 with aspartic acid.
Molecular consequence: missense variant.
Genome position (GRCh38, 1-based): chr13:48,376,986, G>T. VCF-style: chr13-48376986-G-T. GRCh37 (hg19) VCF-style: chr13-48951122-G-T.
Other names: c.1284G>T, p.Glu428Asp (NM_001407165.1, NM_001407166.1); short protein forms E428D.
Identifiers: ClinVar variation 1768724 (VCV001768724.2), dbSNP rs2138136532, ClinGen allele CA388162089.

ClinVar aggregate classification (germline): Uncertain significance (1 of 4 stars; one submission).

Conditions:
Hereditary cancer-predisposing syndrome. Also called: Hereditary Cancer Syndrome; Hereditary neoplastic syndrome; Neoplastic Syndromes, Hereditary; Tumor predisposition. Identifiers: Orphanet 140162, MedGen C0027672, MeSH D009386, MONDO:0015356.

Submission:

Ambry Genetics
Classification: Uncertain significance for Hereditary cancer-predisposing syndrome. Last evaluated: 2022-03-16. Review status: criteria provided, single submitter. Criteria: Ambry Variant Classification Scheme 2023. Collection method: clinical testing. Allele origin: germline.
Comment: The p.E428D variant (also known as c.1284G>T), located in coding exon 13 of the RB1 gene, results from a G to T substitution at nucleotide position 1284. The glutamic acid at codon 428 is replaced by aspartic acid, an amino acid with highly similar properties. This amino acid position is conserved. In addition, this alteration is predicted to be tolerated by in silico analysis. Since supporting evidence is limited at this time, the clinical significance of this alteration remains unclear.